The following is an entry in ClinVar:

NM_052884.3(SIGLEC11):c.789G>C (p.Thr263=)

Gene: SIGLEC11 (sialic acid binding Ig like lectin 11; minus strand). Cytogenetic location: 19q13.33.
Variant type: single nucleotide variant.
Coding change: c.789G>C on transcript NM_052884.3 (MANE Select); coding-DNA position 789, G replaced by C.
Protein change: p.Thr263=; no amino-acid change (threonine 263 retained).
Molecular consequence: synonymous variant.
Genome position (GRCh38, 1-based): chr19:49,959,777, C>G on the plus strand (G>C on the coding strand, the complement: SIGLEC11 is on the minus strand). VCF-style: chr19-49959777-C-G. GRCh37 (hg19) VCF-style: chr19-50463034-C-G.
Other names: c.789G>C, p.Thr263= (NM_001135163.1).
Identifiers: ClinVar variation 4533831 (VCV004533831.6).

ClinVar aggregate classification (germline): Likely benign (1 of 4 stars; one submission).

Submission:

CeGaT Center for Human Genetics Tuebingen
Classification: Likely benign. Last evaluated: 2025-10-01. Review status: criteria provided, single submitter. Criteria: CeGaT Center For Human Genetics Tuebingen Variant Classification Criteria Version 2. Collection method: clinical testing. Allele origin: germline. Affected: yes. Observed: 1 variant allele.
Comment: SIGLEC11: BP4, BP7